The following is an entry in ClinVar:

ClinVar aggregate classification (germline): Uncertain significance (1 of 4 stars; one submission).

Conditions:
Combined immunodeficiency due to DOCK8 deficiency (HIES2). Also called: HIES autosomal recessive; Hyper-IgE recurrent infection syndrome, autosomal recessive; HYPER-IgE RECURRENT INFECTION SYNDROME 2, AUTOSOMAL RECESSIVE; HYPER-IgE SYNDROME 2, AUTOSOMAL RECESSIVE, WITH RECURRENT INFECTIONS; DOCK8 Deficiency. Identifiers: Orphanet 217390, MedGen C4722305, MONDO:0009478, OMIM 243700.

Submission:

Labcorp Genetics (formerly Invitae), Labcorp
Classification: Uncertain significance for Combined immunodeficiency due to DOCK8 deficiency. Last evaluated: 2023-06-14. Review status: criteria provided, single submitter. Criteria: Invitae Variant Classification Sherloc (09022015). Collection method: clinical testing. Allele origin: germline.
Comment: This variant has not been reported in the literature in individuals affected with DOCK8-related conditions. This sequence change replaces leucine, which is neutral and non-polar, with proline, which is neutral and non-polar, at codon 739 of the DOCK8 protein (p.Leu739Pro). This variant is not present in population databases (gnomAD no frequency). Advanced modeling of protein sequence and biophysical properties (such as structural, functional, and spatial information, amino acid conservation, physicochemical variation, residue mobility, and thermodynamic stability) performed at Invitae indicates that this missense variant is expected to disrupt DOCK8 protein function. In summary, the available evidence is currently insufficient to determine the role of this variant in disease. Therefore, it has been classified as a Variant of Uncertain Significance.

NM_203447.4(DOCK8):c.2216T>C (p.Leu739Pro)

Gene: DOCK8 (dedicator of cytokinesis 8; plus strand). Cytogenetic location: 9p24.3.
Variant type: single nucleotide variant.
Coding change: c.2216T>C on transcript NM_203447.4 (MANE Select); coding-DNA position 2216, T replaced by C.
Protein change: p.Leu739Pro; replaces leucine 739 with proline.
Molecular consequence: missense variant.
Genome position (GRCh38, 1-based): chr9:376,987, T>C. VCF-style: chr9-376987-T-C. GRCh37 (hg19) VCF-style: chr9-376987-T-C.
Other names: c.2012T>C, p.Leu671Pro (NM_001190458.2, NM_001193536.2); short protein forms L671P, L739P.
Identifiers: ClinVar variation 2842311 (VCV002842311.3), dbSNP rs2538340273, ClinGen allele CA372763033.